The following is an entry in ClinVar:

NM_000179.3(MSH6):c.3547A>G (p.Ile1183Val)

Gene: MSH6 (mutS homolog 6; plus strand). Cytogenetic location: 2p16.3.
Variant type: single nucleotide variant.
Coding change: c.3547A>G on transcript NM_000179.3 (MANE Select); coding-DNA position 3547, A replaced by G.
Protein change: p.Ile1183Val; replaces isoleucine 1183 with valine.
Molecular consequence: missense variant.
Genome position (GRCh38, 1-based): chr2:47,805,018, A>G. VCF-style: chr2-47805018-A-G. GRCh37 (hg19) VCF-style: chr2-48032157-A-G.
Other names: c.3157A>G, p.Ile1053Val (NM_001281492.2); c.2641A>G, p.Ile881Val (NM_001281493.2, NM_001281494.2, NM_001406811.1 and 6 more transcripts); c.3643A>G, p.Ile1215Val (NM_001406795.1, NM_001406802.1); c.3547A>G, p.Ile1183Val (NM_001406796.1, NM_001406800.1, NM_001406808.1 and 1 more transcripts); c.3250A>G, p.Ile1084Val (NM_001406797.1, NM_001406801.1, NM_001406805.1 and 10 more transcripts); c.3373A>G, p.Ile1125Val (NM_001406798.1); c.3022A>G, p.Ile1008Val (NM_001406799.1, NM_001406806.1, NM_001406807.1); c.2683A>G, p.Ile895Val (NM_001406803.1); and 7 more; short protein forms I1053V, I110V, I1127V, I661V, I881V, I1008V, I1084V, I498V.
Identifiers: ClinVar variation 1732527 (VCV001732527.5), dbSNP rs2530806878, ClinGen allele CA346760259.

ClinVar aggregate classification (germline): Uncertain significance. Review status: criteria provided, multiple submitters, no conflicts (2 of 4 stars). 2 submissions from 2 submitters: Uncertain significance (2). Last evaluated 2024-09-17.

Conditions:
Hereditary nonpolyposis colorectal neoplasms. Identifiers: MedGen C0009405, MeSH D003123.
Hereditary cancer-predisposing syndrome. Also called: Neoplastic Syndromes, Hereditary; Tumor predisposition; Hereditary Cancer Syndrome; Hereditary neoplastic syndrome. Identifiers: Orphanet 140162, MedGen C0027672, MeSH D009386, MONDO:0015356.

Submissions (2):

Labcorp Genetics (formerly Invitae), Labcorp
Classification: Uncertain significance for Hereditary nonpolyposis colorectal neoplasms. Last evaluated: 2024-09-17. Review status: criteria provided, single submitter. Criteria: Invitae Variant Classification Sherloc (09022015). Collection method: clinical testing. Allele origin: germline.
Comment: This sequence change replaces isoleucine, which is neutral and non-polar, with valine, which is neutral and non-polar, at codon 1183 of the MSH6 protein (p.Ile1183Val). This variant is not present in population databases (gnomAD no frequency). This variant has not been reported in the literature in individuals affected with MSH6-related conditions. ClinVar contains an entry for this variant (Variation ID: 1732527). Invitae Evidence Modeling of protein sequence and biophysical properties (such as structural, functional, and spatial information, amino acid conservation, physicochemical variation, residue mobility, and thermodynamic stability) indicates that this missense variant is not expected to disrupt MSH6 protein function with a negative predictive value of 95%. In summary, the available evidence is currently insufficient to determine the role of this variant in disease. Therefore, it has been classified as a Variant of Uncertain Significance.

Ambry Genetics
Classification: Uncertain significance for Hereditary cancer-predisposing syndrome. Last evaluated: 2020-11-18. Review status: criteria provided, single submitter. Criteria: Ambry Variant Classification Scheme 2023. Collection method: clinical testing. Allele origin: germline.
Comment: The p.I1183V variant (also known as c.3547A>G), located in coding exon 6 of the MSH6 gene, results from an A to G substitution at nucleotide position 3547. The isoleucine at codon 1183 is replaced by valine, an amino acid with highly similar properties. This amino acid position is highly conserved in available vertebrate species. In addition, this alteration is predicted to be deleterious by in silico analysis. Since supporting evidence is limited at this time, the clinical significance of this alteration remains unclear.